The following is an entry in ClinVar:

NM_000260.4(MYO7A):c.1357T>C (p.Cys453Arg)

Gene: MYO7A (myosin VIIA; plus strand). Cytogenetic location: 11q13.5.
Variant type: single nucleotide variant.
Coding change: c.1357T>C on transcript NM_000260.4 (MANE Select); coding-DNA position 1357, T replaced by C.
Protein change: p.Cys453Arg; replaces cysteine 453 with arginine.
Molecular consequence: missense variant.
Genome position (GRCh38, 1-based): chr11:77,162,133, T>C. VCF-style: chr11-77162133-T-C. GRCh37 (hg19) VCF-style: chr11-76873179-T-C.
Other names: c.1357T>C, p.Cys453Arg (NM_001127180.2); c.1324T>C, p.Cys442Arg (NM_001369365.1); short protein forms C442R, C453R.
Identifiers: ClinVar variation 2088602 (VCV002088602.4), dbSNP rs1555069264, ClinGen allele CA381935219.

ClinVar aggregate classification (germline): Pathogenic (1 of 4 stars; one submission).

Allele frequency attached by ClinVar (database versions not stated): gnomAD exomes below 0.00001.
gnomAD v4.1: 5 of 1,600,904 alleles (0.00031%); highest among the groups gnomAD compares: Non-Finnish European, 0.00043%; no homozygotes.

Submission:

Labcorp Genetics (formerly Invitae), Labcorp
Classification: Pathogenic. Last evaluated: 2022-05-12. Review status: criteria provided, single submitter. Criteria: Invitae Variant Classification Sherloc (09022015). Collection method: clinical testing. Allele origin: germline.
Comment: This missense change has been observed in individual(s) with clinical features of autosomal recessive deafness (Invitae). In at least one individual the data is consistent with being in trans (on the opposite chromosome) from a pathogenic variant. It has also been observed to segregate with disease in related individuals. This variant is not present in population databases (gnomAD no frequency). This sequence change replaces cysteine, which is neutral and slightly polar, with arginine, which is basic and polar, at codon 453 of the MYO7A protein (p.Cys453Arg). For these reasons, this variant has been classified as Pathogenic. Advanced modeling of protein sequence and biophysical properties (such as structural, functional, and spatial information, amino acid conservation, physicochemical variation, residue mobility, and thermodynamic stability) performed at Invitae indicates that this missense variant is expected to disrupt MYO7A protein function.